The following is an entry in ClinVar:

NM_000059.4(BRCA2):c.1837C>G (p.Leu613Val)

Gene: BRCA2 (BRCA2 DNA repair associated; plus strand). Cytogenetic location: 13q13.1.
Variant type: single nucleotide variant.
Coding change: c.1837C>G on transcript NM_000059.4 (MANE Select); coding-DNA position 1837, C replaced by G.
Protein change: p.Leu613Val; replaces leucine 613 with valine.
Molecular consequence: missense variant.
Genome position (GRCh38, 1-based): chr13:32,333,315, C>G. VCF-style: chr13-32333315-C-G. GRCh37 (hg19) VCF-style: chr13-32907452-C-G.
Other names: 2065C>G; short protein forms L613V.
Identifiers: ClinVar variation 252813 (VCV000252813.17), dbSNP rs879255438, ClinGen allele CA10586052.

ClinVar aggregate classification (germline): Conflicting classifications of pathogenicity. Review status: criteria provided, conflicting classifications (1 of 4 stars). 5 submissions from 5 submitters: Uncertain significance (3); Likely benign (1). 1 of the submissions does not count toward it. Last evaluated 2025-10-09.

Conditions:
Hereditary cancer-predisposing syndrome. Also called: Tumor predisposition; Hereditary Cancer Syndrome; Neoplastic Syndromes, Hereditary; Hereditary neoplastic syndrome. Identifiers: Orphanet 140162, MedGen C0027672, MeSH D009386, MONDO:0015356.
Hereditary breast ovarian cancer syndrome. Also called: Hereditary breast and ovarian cancer; Breast and ovarian cancer; Hereditary breast and/or ovarian cancer syndrome; BRCA1- and BRCA2-Associated Hereditary Breast and Ovarian Cancer; Hereditary breast and ovarian cancer syndrome; Hereditary breast and ovarian cancer syndrome (HBOC). Identifiers: Orphanet 145, MedGen C0677776, MeSH D061325, MONDO:0003582. Disease mechanism: loss of function.
Breast-ovarian cancer, familial, susceptibility to, 2 (BROVCA2). Also called: BRCA2 Hereditary Breast and Ovarian Cancer. Identifiers: Orphanet 145, MedGen C2675520, MONDO:0012933, OMIM 612555. Disease mechanism: loss of function.

Submissions (5):

Labcorp Genetics (formerly Invitae), Labcorp
Classification: Uncertain significance for Hereditary breast ovarian cancer syndrome. Last evaluated: 2025-10-09. Review status: criteria provided, single submitter. Criteria: Invitae Variant Classification Sherloc (09022015). Collection method: clinical testing. Allele origin: germline.
Comment: This sequence change replaces leucine, which is neutral and non-polar, with valine, which is neutral and non-polar, at codon 613 of the BRCA2 protein (p.Leu613Val). This variant is not present in population databases (gnomAD no frequency). This variant has not been reported in the literature in individuals affected with BRCA2-related conditions. ClinVar contains an entry for this variant (Variation ID: 252813). Invitae Evidence Modeling of protein sequence and biophysical properties (such as structural, functional, and spatial information, amino acid conservation, physicochemical variation, residue mobility, and thermodynamic stability) indicates that this missense variant is not expected to disrupt BRCA2 protein function with a negative predictive value of 95%. In summary, the available evidence is currently insufficient to determine the role of this variant in disease. Therefore, it has been classified as a Variant of Uncertain Significance.

Ambry Genetics
Classification: Uncertain significance for Hereditary cancer-predisposing syndrome. Last evaluated: 2025-02-06. Review status: criteria provided, single submitter. Criteria: Ambry Variant Classification Scheme 2023. Collection method: clinical testing. Allele origin: germline.
Comment: The p.L613V variant (also known as c.1837C>G), located in coding exon 9 of the BRCA2 gene, results from a C to G substitution at nucleotide position 1837. The leucine at codon 613 is replaced by valine, an amino acid with highly similar properties. This amino acid position is not well conserved in available vertebrate species. In addition, this alteration is predicted to be tolerated by in silico analysis. Since supporting evidence is limited at this time, the clinical significance of this alteration remains unclear.

All of Us Research Program, National Institutes of Health
Classification: Uncertain significance for Breast-ovarian cancer, familial, susceptibility to, 2. Last evaluated: 2023-07-19. Review status: criteria provided, single submitter. Criteria: ACMG Guidelines, 2015. Collection method: clinical testing. Allele origin: germline. Inheritance: Autosomal dominant inheritance. Observed: 1 variant allele, 1 heterozygote.
Comment: This missense variant replaces leucine with valine at codon 613 of the BRCA2 protein. Computational prediction suggests that this variant may not impact protein structure and function (internally defined REVEL score threshold <= 0.5, PMID: 27666373). To our knowledge, functional studies have not been reported for this variant. This variant has not been reported in individuals affected with BRCA2-related disorders in the literature. This variant has not been identified in the general population by the Genome Aggregation Database (gnomAD). The available evidence is insufficient to determine the role of this variant in disease conclusively. Therefore, this variant is classified as a Variant of Uncertain Significance.

This study involves interpretation of variants in research participants for the purpose of population health screening. Participant phenotype was not available at the time of variant classification. Additional details can be found in publication PMID: 35346344, PMCID: PMC8962531

University of Washington Department of Laboratory Medicine, University of Washington
Classification: Likely benign for Hereditary cancer-predisposing syndrome. Last evaluated: 2023-03-23. Review status: criteria provided, single submitter. Criteria: Dines et al. (Genet Med. 2020). Collection method: curation. Allele origin: germline.
Comment: Missense variant in a coldspot region where missense variants are very unlikely to be pathogenic (PMID:31911673).

BRCA2 exon 10 coldspot. Reclassification based on statistical prior probability.

Sharing Clinical Reports Project (SCRP)
Classification: Uncertain significance for Breast-ovarian cancer, familial 2. Last evaluated: 2013-06-19. Review status: no assertion criteria provided. Collection method: clinical testing. Allele origin: germline. Not counted in ClinVar's aggregate classification.